The following is an entry in ClinVar:

ClinVar aggregate classification (germline): Uncertain significance (1 of 4 stars; one submission).

Conditions:
Progressive sclerosing poliodystrophy (MTDPS4A). Also called: Alpers-Huttenlocher Syndrome; Mitochondrial DNA Depletion Syndrome 4A; ALPERS PROGRESSIVE INFANTILE POLIODYSTROPHY; NEURONAL DEGENERATION OF CHILDHOOD WITH LIVER DISEASE, PROGRESSIVE; Alpers-Huttenlocher Syndrome (AHS); Alpers Syndrome. Identifiers: Orphanet 726, MedGen C0205710, MONDO:0008758, OMIM 203700.

Allele frequency attached by ClinVar (database versions not stated): gnomAD exomes below 0.00001.
gnomAD v4.1: 2 of 1,526,648 alleles (0.00013%); highest among the groups gnomAD compares: Non-Finnish European, 0.00018%; no homozygotes.

Submission:

Labcorp Genetics (formerly Invitae), Labcorp
Classification: Uncertain significance for Progressive sclerosing poliodystrophy. Last evaluated: 2022-10-17. Review status: criteria provided, single submitter. Criteria: Invitae Variant Classification Sherloc (09022015). Collection method: clinical testing. Allele origin: germline.
Comment: In summary, the available evidence is currently insufficient to determine the role of this variant in disease. Therefore, it has been classified as a Variant of Uncertain Significance. Advanced modeling of protein sequence and biophysical properties (such as structural, functional, and spatial information, amino acid conservation, physicochemical variation, residue mobility, and thermodynamic stability) performed at Invitae indicates that this missense variant is expected to disrupt POLG protein function. This variant has not been reported in the literature in individuals affected with POLG-related conditions. This variant is not present in population databases (gnomAD no frequency). This sequence change replaces proline, which is neutral and non-polar, with alanine, which is neutral and non-polar, at codon 209 of the POLG protein (p.Pro209Ala).

NM_002693.3(POLG):c.625C>G (p.Pro209Ala)

Genes: POLG (DNA polymerase gamma, catalytic subunit; minus strand), POLGARF (POLG alternative reading frame; minus strand). Cytogenetic location: 15q26.1.
Variant type: single nucleotide variant.
Coding change: c.625C>G on transcript NM_002693.3 (MANE Select); coding-DNA position 625, C replaced by G.
Protein change: p.Pro209Ala; replaces proline 209 with alanine.
Molecular consequence: missense variant.
Genome position (GRCh38, 1-based): chr15:89,333,130, G>C on the plus strand (C>G on the coding strand, the complement: POLG is on the minus strand). VCF-style: chr15-89333130-G-C. GRCh37 (hg19) VCF-style: chr15-89876361-G-C.
Other names: c.625C>G, p.Pro209Ala (NM_001126131.2); short protein forms P209A.
Identifiers: ClinVar variation 1897307 (VCV001897307.5), dbSNP rs2509274739, ClinGen allele CA393770317.